The following is an entry in ClinVar:

NM_001211.6(BUB1B):c.35+4G>T

Genes: BUB1B (BUB1 mitotic checkpoint serine/threonine kinase B; plus strand), LOC130056830 (ATAC-STARR-seq lymphoblastoid active region 9236; plus strand). Cytogenetic location: 15q15.1.
Variant type: single nucleotide variant.
Coding change: c.35+4G>T on transcript NM_001211.6 (MANE Select); 4 bases into the intron after coding-DNA position 35, G replaced by T.
Molecular consequence: intron variant.
Genome position (GRCh38, 1-based): chr15:40,161,259, G>T. VCF-style: chr15-40161259-G-T. GRCh37 (hg19) VCF-style: chr15-40453460-G-T.
Identifiers: ClinVar variation 2307620 (VCV002307620.5), dbSNP rs769117219, ClinGen allele CA7475321.

ClinVar aggregate classification (germline): Uncertain significance. Review status: criteria provided, multiple submitters, no conflicts (2 of 4 stars). 2 submissions from 2 submitters: Uncertain significance (2). Last evaluated 2022-12-04.

Conditions:
Inborn genetic diseases. Identifiers: MedGen C0950123, MeSH D030342.
Mosaic variegated aneuploidy syndrome 1 (MVA1). Also called: Warburton-Anyane-Yeboa syndrome. Identifiers: Orphanet 1052, MedGen C1850343, MONDO:0009759, OMIM 257300.

Allele frequency attached by ClinVar (database versions not stated): ExAC 0.00001.
gnomAD v4.1: 8 of 1,612,322 alleles (0.0005%); highest among the groups gnomAD compares: Admixed American, 0.012%; no homozygotes.

Submissions (2):

Labcorp Genetics (formerly Invitae), Labcorp
Classification: Uncertain significance for Mosaic variegated aneuploidy syndrome 1. Last evaluated: 2022-12-04. Review status: criteria provided, single submitter. Criteria: Invitae Variant Classification Sherloc (09022015). Collection method: clinical testing. Allele origin: germline.
Comment: In summary, the available evidence is currently insufficient to determine the role of this variant in disease. Therefore, it has been classified as a Variant of Uncertain Significance. Variants that disrupt the consensus splice site are a relatively common cause of aberrant splicing (PMID: 17576681, 9536098). Algorithms developed to predict the effect of sequence changes on RNA splicing suggest that this variant is not likely to affect RNA splicing. This variant has not been reported in the literature in individuals affected with BUB1B-related conditions. This variant is present in population databases (rs769117219, gnomAD 0.02%). This sequence change falls in intron 1 of the BUB1B gene. It does not directly change the encoded amino acid sequence of the BUB1B protein. It affects a nucleotide within the consensus splice site.

Ambry Genetics
Classification: Uncertain significance for Inborn genetic diseases. Last evaluated: 2022-08-22. Review status: criteria provided, single submitter. Criteria: Ambry Variant Classification Scheme 2023. Collection method: clinical testing. Allele origin: germline.
Comment: The c.35+4G>T intronic alteration consists of a G to T substitution 4 nucleotides after exon 1 of the BUB1B gene. Based on insufficient or conflicting evidence, the clinical significance of this alteration remains unclear.

Literature cited by the submitters: PubMed 17576681 (cited by Labcorp Genetics (formerly Invitae), Labcorp); PubMed 9536098 (cited by Labcorp Genetics (formerly Invitae), Labcorp).